The following is an entry in ClinVar:

NM_001385079.1(PDE10A):c.2611-2A>G

Gene: PDE10A (phosphodiesterase 10A; minus strand). Cytogenetic location: 6q27.
Variant type: single nucleotide variant.
Coding change: c.2611-2A>G on transcript NM_001385079.1 (MANE Select); the canonical splice acceptor site of the intron before coding-DNA position 2611, A replaced by G.
Molecular consequence: splice acceptor variant.
Genome position (GRCh38, 1-based): chr6:165,379,368, T>C on the plus strand (A>G on the coding strand, the complement: PDE10A is on the minus strand). VCF-style: chr6-165379368-T-C. GRCh37 (hg19) VCF-style: chr6-165792857-T-C.
Other names: c.1813-2A>G (NM_001130690.3); c.1783-2A>G (NM_006661.4).
Identifiers: ClinVar variation 1800843 (VCV001800843.1), dbSNP rs2533606030, ClinGen allele CA366392704.

ClinVar aggregate classification (germline): Uncertain significance (1 of 4 stars; one submission).

Submission:

GeneDx
Classification: Uncertain significance. Last evaluated: 2022-05-23. Review status: criteria provided, single submitter. Criteria: GeneDx Variant Classification Process June 2021. Collection method: clinical testing. Allele origin: germline. Affected: yes.
Comment: Not observed at significant frequency in large population cohorts (gnomAD); Canonical splice site variant in a gene or region of a gene for which loss of function is not a well-established mechanism of disease; Has not been previously published as pathogenic or benign to our knowledge